The following is an entry in ClinVar:

ClinVar aggregate classification (germline): Uncertain significance. Review status: criteria provided, multiple submitters, no conflicts (2 of 4 stars). 3 submissions from 3 submitters: Uncertain significance (3). Last evaluated 2025-12-08.

Conditions:
Cardiovascular phenotype. Identifiers: MedGen CN230736.
RASopathy. Also called: Noonan spectrum disorder; rasopathies. Identifiers: Orphanet 536391, MedGen C5555857, MONDO:0021060.

gnomAD v4.1: 1 of 1,605,056 alleles (0.000062%); highest among the groups gnomAD compares: Non-Finnish European, 0.000085%; no homozygotes.

Submissions (3):

Labcorp Genetics (formerly Invitae), Labcorp
Classification: Uncertain significance for RASopathy. Last evaluated: 2025-12-08. Review status: criteria provided, single submitter. Criteria: Invitae Variant Classification Sherloc (09022015). Collection method: clinical testing. Allele origin: germline.
Comment: This sequence change replaces valine, which is neutral and non-polar, with methionine, which is neutral and non-polar, at codon 1147 of the SOS1 protein (p.Val1147Met). This variant is not present in population databases (gnomAD no frequency). This variant has not been reported in the literature in individuals affected with SOS1-related conditions. ClinVar contains an entry for this variant (Variation ID: 2203177). Invitae Evidence Modeling of protein sequence and biophysical properties (such as structural, functional, and spatial information, amino acid conservation, physicochemical variation, residue mobility, and thermodynamic stability) indicates that this missense variant is not expected to disrupt SOS1 protein function with a negative predictive value of 95%. In summary, the available evidence is currently insufficient to determine the role of this variant in disease. Therefore, it has been classified as a Variant of Uncertain Significance.

Ambry Genetics
Classification: Uncertain significance for Cardiovascular phenotype. Last evaluated: 2024-07-11. Review status: criteria provided, single submitter. Criteria: Ambry Variant Classification Scheme 2023. Collection method: clinical testing. Allele origin: germline.
Comment: The p.V1147M variant (also known as c.3439G>A), located in coding exon 22 of the SOS1 gene, results from a G to A substitution at nucleotide position 3439. The valine at codon 1147 is replaced by methionine, an amino acid with highly similar properties. This amino acid position is conserved. In addition, this alteration is predicted to be tolerated by in silico analysis. Based on the available evidence, the clinical significance of this variant remains unclear.

Blueprint Genetics
Classification: Uncertain significance. Last evaluated: 2022-10-28. Review status: criteria provided, single submitter. Criteria: ACMG Guidelines, 2015. Collection method: clinical testing. Allele origin: germline.

NM_005633.4(SOS1):c.3439G>A (p.Val1147Met)

Gene: SOS1 (SOS Ras/Rac guanine nucleotide exchange factor 1; minus strand). Cytogenetic location: 2p22.1.
Variant type: single nucleotide variant.
Coding change: c.3439G>A on transcript NM_005633.4 (MANE Select); coding-DNA position 3439, G replaced by A.
Protein change: p.Val1147Met; replaces valine 1147 with methionine.
Molecular consequence: missense variant.
Genome position (GRCh38, 1-based): chr2:38,987,544, C>T on the plus strand (G>A on the coding strand, the complement: SOS1 is on the minus strand). VCF-style: chr2-38987544-C-T. GRCh37 (hg19) VCF-style: chr2-39214685-C-T.
Other names: c.3418G>A, p.Val1140Met (NM_001382394.1); c.3394G>A, p.Val1132Met (NM_001382395.1); short protein forms V1140M, V1147M, V1132M.
Identifiers: ClinVar variation 2203177 (VCV002203177.6), dbSNP rs2528879107, ClinGen allele CA346359708.